The following is an entry in ClinVar:

NM_004974.4(KCNA2):c.1084C>G (p.Pro362Ala)

Gene: KCNA2 (potassium voltage-gated channel subfamily A member 2; minus strand). Cytogenetic location: 1p13.3.
Variant type: single nucleotide variant.
Coding change: c.1084C>G on transcript NM_004974.4 (MANE Select); coding-DNA position 1084, C replaced by G.
Protein change: p.Pro362Ala; replaces proline 362 with alanine.
Molecular consequence: missense variant. On other transcripts: intron variant (1).
Genome position (GRCh38, 1-based): chr1:110,603,699, G>C on the plus strand (C>G on the coding strand, the complement: KCNA2 is on the minus strand). VCF-style: chr1-110603699-G-C. GRCh37 (hg19) VCF-style: chr1-111146321-G-C.
Other names: c.894+190C>G (NM_001204269.2); short protein forms P362A.
Identifiers: ClinVar variation 430451 (VCV000430451.4), dbSNP rs1131691974, ClinGen allele CA341601969.

ClinVar aggregate classification (germline): Likely pathogenic (1 of 4 stars; one submission).

Submission:

GeneDx
Classification: Likely pathogenic. Last evaluated: 2022-02-24. Review status: criteria provided, single submitter. Criteria: GeneDx Variant Classification Process June 2021. Collection method: clinical testing. Allele origin: germline. Affected: yes.
Comment: Not observed at significant frequency in large population cohorts (gnomAD); In silico analysis supports that this missense variant has a deleterious effect on protein structure/function; This variant is associated with the following publications: (PMID: 33802230)